The following is an entry in ClinVar:

ClinVar aggregate classification (germline): Uncertain significance (1 of 4 stars; one submission).

Submission:

GeneDx
Classification: Uncertain significance. Last evaluated: 2020-02-19. Review status: criteria provided, single submitter. Criteria: GeneDx Variant Classification Process June 2021. Collection method: clinical testing. Allele origin: germline. Affected: yes.
Comment: Not observed in large population cohorts (Lek et al., 2016); In silico analysis supports that this missense variant does not alter protein structure/function; Has not been previously published as pathogenic or benign to our knowledge

NM_006080.3(SEMA3A):c.1926G>T (p.Lys642Asn)

Gene: SEMA3A (semaphorin 3A; minus strand). Cytogenetic location: 7q21.11.
Variant type: single nucleotide variant.
Coding change: c.1926G>T on transcript NM_006080.3 (MANE Select); coding-DNA position 1926, G replaced by T.
Protein change: p.Lys642Asn; replaces lysine 642 with asparagine.
Molecular consequence: missense variant.
Genome position (GRCh38, 1-based): chr7:83,961,761, C>A on the plus strand (G>T on the coding strand, the complement: SEMA3A is on the minus strand). VCF-style: chr7-83961761-C-A. GRCh37 (hg19) VCF-style: chr7-83591077-C-A.
Other names: short protein forms K642N.
Identifiers: ClinVar variation 1315200 (VCV001315200.2), dbSNP rs1229736172, ClinGen allele CA367944852.
Genomic context (GRCh38, chr7:83,961,761, plus strand): 5'-CTTAAGAAGAGTTTGTATGAACCCATGTTCCACCGCATGGCAGAGGTAATTGCCTGAATC[C>A]TTCTGTTGTAGACTACGTAGCAGAAGGCCTTGATCTGTCCTGATGATATGATCATCCACT-3'
Protein context (NP_006071.1, residues 632-652): QGLLLRSLQQ[Lys642Asn]DSGNYLCHAV